The following is an entry in ClinVar:

NM_004174.4(SLC9A3):c.1405G>C (p.Glu469Gln)

Gene: SLC9A3 (solute carrier family 9 member A3). Cytogenetic location: 5p15.33.
Variant type: single nucleotide variant.
Coding change: c.1405G>C on transcript NM_004174.4 (MANE Select); coding-DNA position 1405, G replaced by C.
Protein change: p.Glu469Gln; replaces glutamic acid 469 with glutamine.
Molecular consequence: missense variant.
Genome position (GRCh38, 1-based): chr5:482,109, C>G on the plus strand (G>C on the coding strand, the complement: SLC9A3 is on the minus strand). VCF-style: chr5-482109-C-G. GRCh37 (hg19) VCF-style: chr5-482224-C-G.
Other names: c.1378G>C, p.Glu460Gln (NM_001284351.3); short protein forms E460Q, E469Q.
Identifiers: ClinVar variation 1354125 (VCV001354125.6), dbSNP rs772434234, ClinGen allele CA359027037.

ClinVar aggregate classification (germline): Uncertain significance (1 of 4 stars; one submission).

Submission:

Labcorp Genetics (formerly Invitae), Labcorp
Classification: Uncertain significance. Last evaluated: 2025-07-28. Review status: criteria provided, single submitter. Criteria: Invitae Variant Classification Sherloc (09022015). Collection method: clinical testing. Allele origin: germline.
Comment: This sequence change replaces glutamic acid, which is acidic and polar, with glutamine, which is neutral and polar, at codon 469 of the SLC9A3 protein (p.Glu469Gln). This variant is not present in population databases (gnomAD no frequency). This variant has not been reported in the literature in individuals affected with SLC9A3-related conditions. ClinVar contains an entry for this variant (Variation ID: 1354125). Invitae Evidence Modeling of protein sequence and biophysical properties (such as structural, functional, and spatial information, amino acid conservation, physicochemical variation, residue mobility, and thermodynamic stability) indicates that this missense variant is not expected to disrupt SLC9A3 protein function with a negative predictive value of 80%. In summary, the available evidence is currently insufficient to determine the role of this variant in disease. Therefore, it has been classified as a Variant of Uncertain Significance.